The following is an entry in ClinVar:

NM_020884.7(MYH7B):c.2843G>A (p.Arg948His)

Gene: MYH7B (myosin heavy chain 7B; plus strand). Cytogenetic location: 20q11.22.
Variant type: single nucleotide variant.
Coding change: c.2843G>A on transcript NM_020884.7 (MANE Select); coding-DNA position 2843, G replaced by A.
Protein change: p.Arg948His; replaces arginine 948 with histidine.
Molecular consequence: missense variant.
Genome position (GRCh38, 1-based): chr20:34,995,478, G>A. VCF-style: chr20-34995478-G-A. GRCh37 (hg19) VCF-style: chr20-33583281-G-A.
Other names: short protein forms R948H.
Identifiers: ClinVar variation 4695762 (VCV004695762.1).

ClinVar aggregate classification (germline): Uncertain significance (1 of 4 stars; one submission).

gnomAD v4.1: 17 of 1,614,086 alleles (0.0011%); highest among the groups gnomAD compares: Middle Eastern, 0.016%; no homozygotes.

Submission:

Labcorp Genetics (formerly Invitae), Labcorp
Classification: Uncertain significance. Last evaluated: 2025-01-29. Review status: criteria provided, single submitter. Criteria: Invitae Variant Classification Sherloc (09022015). Collection method: clinical testing. Allele origin: germline.
Comment: This sequence change replaces arginine, which is basic and polar, with histidine, which is basic and polar, at codon 990 of the MYH7B protein (p.Arg990His). This variant is not present in population databases (gnomAD no frequency). This variant has not been reported in the literature in individuals affected with MYH7B-related conditions. Invitae Evidence Modeling of protein sequence and biophysical properties (such as structural, functional, and spatial information, amino acid conservation, physicochemical variation, residue mobility, and thermodynamic stability) indicates that this missense variant is expected to disrupt MYH7B protein function with a positive predictive value of 80%. In summary, the available evidence is currently insufficient to determine the role of this variant in disease. Therefore, it has been classified as a Variant of Uncertain Significance.